The following is an entry in ClinVar:

NM_001199138.2(NLRC4):c.1757T>C (p.Ile586Thr)

Gene: NLRC4 (NLR family CARD domain containing 4; minus strand). Cytogenetic location: 2p22.3.
Variant type: single nucleotide variant.
Coding change: c.1757T>C on transcript NM_001199138.2 (MANE Select); coding-DNA position 1757, T replaced by C.
Protein change: p.Ile586Thr; replaces isoleucine 586 with threonine.
Molecular consequence: missense variant. On other transcripts: intron variant (1).
Genome position (GRCh38, 1-based): chr2:32,250,107, A>G on the plus strand (T>C on the coding strand, the complement: NLRC4 is on the minus strand). VCF-style: chr2-32250107-A-G. GRCh37 (hg19) VCF-style: chr2-32475176-A-G.
Other names: c.1757T>C, p.Ile586Thr (NM_001199139.2, NM_021209.5); c.262+2312T>C (NM_001302504.1); short protein forms I586T.
Identifiers: ClinVar variation 2109173 (VCV002109173.4), dbSNP rs2466758261, ClinGen allele CA346511767.
Genomic context (GRCh38, chr2:32,250,107, plus strand): 5'-GCACAATTGGGCAAATGTTCAAAGAAGTCAAATAAGTAATCGGGGATGTTCCCTGAGTTG[A>G]TATATAAGCTTTTACCTTGAAAGAAAGCTTCAAATTCTTGGCTCAGGGCTGATTTGGATG-3'
Protein context (NP_001186067.1, residues 576-596): EAFFQGKSLY[Ile586Thr]NSGNIPDYLF

ClinVar aggregate classification (germline): Uncertain significance (1 of 4 stars; one submission).

Conditions:
Periodic fever-infantile enterocolitis-autoinflammatory syndrome. Also called: Autoinflammation with infantile enterocolitis. Identifiers: Orphanet 436166, MedGen C4015067, MONDO:0014472, OMIM 616050.
Familial cold autoinflammatory syndrome 4 (FCAS4). Identifiers: Orphanet 47045, Orphanet 576349, MedGen C4015276, MONDO:0014498, OMIM 616115.

Submission:

Labcorp Genetics (formerly Invitae), Labcorp
Classification: Uncertain significance for Periodic fever-infantile enterocolitis-autoinflammatory syndrome; Familial cold autoinflammatory syndrome 4. Last evaluated: 2023-09-25. Review status: criteria provided, single submitter. Criteria: Invitae Variant Classification Sherloc (09022015). Collection method: clinical testing. Allele origin: germline.
Comment: Advanced modeling of protein sequence and biophysical properties (such as structural, functional, and spatial information, amino acid conservation, physicochemical variation, residue mobility, and thermodynamic stability) performed at Invitae indicates that this missense variant is expected to disrupt NLRC4 protein function. In summary, the available evidence is currently insufficient to determine the role of this variant in disease. Therefore, it has been classified as a Variant of Uncertain Significance. ClinVar contains an entry for this variant (Variation ID: 2109173). This variant has not been reported in the literature in individuals affected with NLRC4-related conditions. This variant is not present in population databases (gnomAD no frequency). This sequence change replaces isoleucine, which is neutral and non-polar, with threonine, which is neutral and polar, at codon 586 of the NLRC4 protein (p.Ile586Thr).